The following is an entry in ClinVar:

NM_006421.5(ARFGEF1):c.5189G>T (p.Gly1730Val)

Gene: ARFGEF1 (ARF guanine nucleotide exchange factor 1; minus strand). Cytogenetic location: 8q13.2.
Variant type: single nucleotide variant.
Coding change: c.5189G>T on transcript NM_006421.5 (MANE Select); coding-DNA position 5189, G replaced by T.
Protein change: p.Gly1730Val; replaces glycine 1730 with valine.
Molecular consequence: missense variant. On other transcripts: non-coding transcript variant (1).
Genome position (GRCh38, 1-based): chr8:67,201,545, C>A on the plus strand (G>T on the coding strand, the complement: ARFGEF1 is on the minus strand). VCF-style: chr8-67201545-C-A. GRCh37 (hg19) VCF-style: chr8-68113780-C-A.
Other names: c.5189G>T, p.Gly1730Val (NM_001413184.1, NM_001413187.1, NM_001413194.1); c.5171G>T, p.Gly1724Val (NM_001413185.1, NM_001413186.1, NM_001413189.1); c.4589G>T, p.Gly1530Val (NM_001413188.1, NM_001413197.1); c.5183G>T, p.Gly1728Val (NM_001413190.1); c.5093G>T, p.Gly1698Val (NM_001413191.1); c.5075G>T, p.Gly1692Val (NM_001413192.1); c.4571G>T, p.Gly1524Val (NM_001413193.1); c.3764G>T, p.Gly1255Val (NM_001413196.1); short protein forms G1724V, G1530V, G1730V, G1255V, G1524V, G1692V, G1698V, G1728V.
Identifiers: ClinVar variation 5009674 (VCV005009674.1).
Genomic context (GRCh38, chr8:67,201,545, plus strand): 5'-ACCTCCTCCCAGGCACTAACGCGGCTCTCATCCATGTACATCCGGAAGAGAATGCGCAGC[C>A]CACAGGCCAGGCTGCTGGTCTCCTGCTTCAGAAGGTTGGGCTTGGATTTGCCTTTGAATC-3'
Protein context (NP_006412.2, residues 1720-1740): LKQETSSLAC[Gly1730Val]LRILFRMYMD

ClinVar aggregate classification (germline): Uncertain significance (1 of 4 stars; one submission).

Submission:

GeneDx
Classification: Uncertain significance. Last evaluated: 2026-02-18. Review status: criteria provided, single submitter. Criteria: GeneDx Variant Classification Process June 2021. Collection method: clinical testing. Allele origin: germline.
Comment: Not observed at significant frequency in large population cohorts (gnomAD); In silico analysis suggests that this missense variant does not alter protein structure/function; Has not been previously published as pathogenic or benign to our knowledge